The following is an entry in ClinVar:

NM_000478.6(ALPL):c.1426G>A (p.Glu476Lys)

Gene: ALPL (alkaline phosphatase, biomineralization associated; plus strand). Cytogenetic location: 1p36.12.
Variant type: single nucleotide variant.
Coding change: c.1426G>A on transcript NM_000478.6 (MANE Select); coding-DNA position 1426, G replaced by A.
Protein change: p.Glu476Lys; replaces glutamic acid 476 with lysine.
Molecular consequence: missense variant.
Genome position (GRCh38, 1-based): chr1:21,577,499, G>A. VCF-style: chr1-21577499-G-A. GRCh37 (hg19) VCF-style: chr1-21903992-G-A.
Other names: c.1426G>A (NM_000478.4); c.1261G>A, p.Glu421Lys (NM_001127501.4); c.1195G>A, p.Glu399Lys (NM_001177520.3); c.1426G>A, p.Glu476Lys (NM_001369803.2, NM_001369804.2, NM_001369805.2); short protein forms E421K, E476K, E399K.
Identifiers: ClinVar variation 844755 (VCV000844755.44), dbSNP rs1057517173, ClinGen allele CA338882172.
Genomic context (GRCh38, chr1:21,577,499, plus strand): 5'-GGGGAGGACGTGGCCGTCTTCTCCAAGGGCCCCATGGCGCACCTGCTGCACGGCGTCCAC[G>A]AGCAGAACTACGTCCCCCACGTGATGGCGTATGCAGCCTGCATCGGGGCCAACCTCGGCC-3'
Protein context (NP_000469.3, residues 466-486): PMAHLLHGVH[Glu476Lys]QNYVPHVMAY

ClinVar aggregate classification (germline): Pathogenic/Likely pathogenic. Review status: criteria provided, multiple submitters, no conflicts (2 of 4 stars). 10 submissions from 10 submitters: Pathogenic (8); Likely pathogenic (1). 1 of the submissions does not count toward it. Last evaluated 2026-03-05.

Conditions:
ALPL-related disorder. Also called: ALPL-related disorders; ALPL-related condition.
Adult hypophosphatasia. Identifiers: Orphanet 247676, Orphanet 436, MedGen C0268413, MONDO:1010154, OMIM 146300, MONDO:0007798.
Childhood hypophosphatasia. Identifiers: Orphanet 247667, Orphanet 436, MedGen C0220743, MONDO:1010168, OMIM 241510, MONDO:0009428.
Infantile hypophosphatasia. Identifiers: Orphanet 247651, Orphanet 436, MedGen C0268412, MONDO:1010169, OMIM 241500, MONDO:0009427.
Inborn genetic diseases. Identifiers: MedGen C0950123, MeSH D030342.
Hypophosphatasia. Also called: Phosphoethanol-aminuria. Identifiers: Orphanet 436, MedGen C0020630, MeSH D007014, MONDO:0018570.

Allele frequency attached by ClinVar (database versions not stated): TOPMed below 0.00001; gnomAD exomes 0.00001.
gnomAD v4.1: 18 of 1,609,036 alleles (0.0011%); highest among the groups gnomAD compares: East Asian, 0.0022%; no homozygotes.

Submissions (10):

Women's Health and Genetics/Laboratory Corporation of America, LabCorp
Classification: Pathogenic for Hypophosphatasia. Last evaluated: 2026-03-05. Review status: criteria provided, single submitter. Criteria: LabCorp Variant Classification Summary - May 2015. Collection method: clinical testing. Allele origin: germline.
Comment: Variant summary: ALPL c.1426G>A (p.Glu476Lys) results in a conservative amino acid change in the encoded protein sequence. Algorithms developed to predict the effect of missense changes on protein structure and function are either unavailable or do not agree on the potential impact of this missense change. The variant was absent in 244644 control chromosomes. c.1426G>A has been observed in individual(s) affected with Hypophosphatasia, as a heterozygous, compound heterozygous, or homozygous genotype (e.g. Whyte_2015, Taillandier_1999, Silva_2012, Shamseldin_2018, DelAngel_2020). These data indicate that the variant is likely to be associated with disease. At least one publication reports experimental evidence evaluating an impact on protein function, showing significantly reduced enzyme activity in vitro (DelAngel_2020). The following publications have been ascertained in the context of this evaluation (PMID: 32160374, 28749478, 22781519, 10094560, 25731960). ClinVar contains an entry for this variant (Variation ID: 844755). Based on the evidence outlined above, the variant was classified as pathogenic for Autosomal Recessive Hypophosphatasia and Autosomal Dominant Hypophosphatasia.

Labcorp Genetics (formerly Invitae), Labcorp
Classification: Pathogenic. Last evaluated: 2025-11-27. Review status: criteria provided, single submitter. Criteria: Invitae Variant Classification Sherloc (09022015). Collection method: clinical testing. Allele origin: germline.
Comment: This sequence change replaces glutamic acid, which is acidic and polar, with lysine, which is basic and polar, at codon 476 of the ALPL protein (p.Glu476Lys). This variant is not present in population databases (gnomAD no frequency). This missense change has been observed in individuals with autosomal dominant and autosomal recessive hypophosphatasia (PMID: 10094560, 22781519, 25731960, 28749478). This variant is also known as Glu459Lys, Glu399Lys. ClinVar contains an entry for this variant (Variation ID: 844755). Invitae Evidence Modeling of protein sequence and biophysical properties (such as structural, functional, and spatial information, amino acid conservation, physicochemical variation, residue mobility, and thermodynamic stability) indicates that this missense variant is expected to disrupt ALPL protein function with a positive predictive value of 95%. For these reasons, this variant has been classified as Pathogenic.

Genomenon, Inc
Classification: Pathogenic for Hypophosphatasia. Last evaluated: 2025-08-29. Review status: criteria provided, single submitter. Criteria: Genomenon Sequence Variant Interpretation Standards. Collection method: curation. Allele origin: germline. Affected: yes.
Comment: ALPL Glu476Lys (c.1426G>A) is a missense variant that changes the amino acid at residue 476 from Glutamic acid to Lysine. This variant has been observed in at least one proband affected with hypophosphatasia (PMID:29236161;32160374;32973344;22781519;25731960;33101980;11855933;10094560). At least one functional study has demonstrated a substantial alteration in protein function relative to the wild-type (PMID:32160374). It is absent or not present at a significant frequency in gnomAD. In silico models agree that this variant is possibly or probably damaging. In conclusion, we classify ALPL p.Glu476Lys (c.1426G>A) as a pathogenic variant.

GeneDx
Classification: Pathogenic. Last evaluated: 2025-07-12. Review status: criteria provided, single submitter. Criteria: GeneDx Variant Classification Process June 2021. Collection method: clinical testing. Allele origin: germline. Affected: yes.
Comment: Published functional studies demonstrate a damaging and dominant-negative effect (PMID: 32160374); Not observed at significant frequency in large population cohorts (gnomAD); In silico analysis supports that this missense variant has a deleterious effect on protein structure/function; This variant is associated with the following publications: (PMID: 34633109, 37644014, 34645488, 34662886, 29236161, 28749478, 31130284, 32160374, 33101980, 10094560, 27535533, Witters2016[abstract], 22781519)

Natera, Inc.
Classification: Pathogenic for Hypophosphatasia. Last evaluated: 2025-05-22. Review status: criteria provided, single submitter. Criteria: Natera Variant Classification Schema (03/2026). Collection method: clinical testing. Allele origin: germline.
Comment: The c.1426G>A variant in ALPL is a missense variant predicted to cause substitution of glutamic acid to lysine at amino acid 476. This variant is rare in the general population with a frequency below the threshold expected for the associated phenotype(s). This variant has been observed in one or more individuals affected with the associated recessive disease, as either homozygous or compound heterozygous with a second variant (PMID: 32160374, 10332035, 11855933). Functional studies show that this variant may disrupt protein function (PMID: 32160374). A different variant at the same position has been determined to be Pathogenic or Likely Pathogenic. Computational prediction algorithms indicate this variant is likely to affect gene or protein function. Given the available evidence, this variant is classified as Pathogenic.

Ambry Genetics
Classification: Pathogenic for Inborn genetic diseases. Last evaluated: 2024-07-16. Review status: criteria provided, single submitter. Criteria: Ambry Variant Classification Scheme 2023. Collection method: clinical testing. Allele origin: germline.
Comment: The c.1426G>A (p.E476K) alteration is located in exon 12 (coding exon 11) of the ALPL gene. This alteration results from a G to A substitution at nucleotide position 1426, causing the glutamic acid (E) at amino acid position 476 to be replaced by a lysine (K). for loss of function ALPL-related hypophosphatasia; however, its clinical significance for dominant negative ALPL-related hypophosphatasia is uncertain This variant was not reported in population-based cohorts in the Genome Aggregation Database (gnomAD). This variant was reported in multiple individuals with a previous childhood diagnosis of hypophosphatasia, low ALPL serum levels, dento-oseous complications, and/or fractures (Silva, 2012; Whyte, 2015; Taillandier, 2018). Additionally, this variant has been identified in the homozygous state and/or in conjunction with other ALPL variants in individuals with lethal skeletal dysplasia or lethal perinatal hypophosphatasia; in at least one instance, the variants were identified in trans (Taillandier, 1999; Shamseldin, 2018; Huggins, 2020; Mornet, 2021). This amino acid position is highly conserved in available vertebrate species. In an in vitro functional study, this variant resulted in decreased activity compared to wild type (Del Angel, 2020). This alteration is predicted to be deleterious by in silico analysis. Based on the available evidence, this alteration is classified as pathogenic.

Baylor Genetics
Classification: Pathogenic for Adult hypophosphatasia. Last evaluated: 2023-11-08. Review status: criteria provided, single submitter. Criteria: ACMG Guidelines, 2015. Collection method: clinical testing. Allele origin: unknown.

PreventionGenetics, part of Exact Sciences
Classification: Pathogenic for ALPL-related condition. Last evaluated: 2022-11-01. Review status: criteria provided, single submitter. Criteria: ACMG Guidelines, 2015. Collection method: clinical testing. Allele origin: germline.
Comment: The ALPL c.1426G>A variant is predicted to result in the amino acid substitution p.Glu476Lys. This variant was found in the heterozygous condition in patients with childhood hypophosphatasia (Silva et al. 2012. PubMed ID: 22781519; Del Angel et al. 2020. PubMed ID: 32160374). This variant along with a second ALPL variant was reported in patients with perinatal, infantile HPP (Taillandier. 1999. PubMed ID: 10094560; Del Angel et al. 2020. PubMed ID: 32160374). Also, nearby variants affecting the same amino acid (c.1427A>G, p. Glu476Gly and c.1427A>C, p.Glu476Ala) were reported to be pathogenic for hypophosphatasia. This variant has not been reported in a large population database, indicating this variant is rare. This variant is interpreted as pathogenic.

Fulgent Genetics
Classification: Likely pathogenic for Adult hypophosphatasia; Infantile hypophosphatasia; Childhood hypophosphatasia. Last evaluated: 2022-02-05. Review status: criteria provided, single submitter. Criteria: ACMG Guidelines, 2015. Collection method: clinical testing. Allele origin: unknown.

Genomic Medicine Center of Excellence, King Faisal Specialist Hospital and Research Centre
Classification: Pathogenic for Infantile hypophosphatasia. Last evaluated: 2021-04-29. Review status: no assertion criteria provided. Collection method: research. Allele origin: germline. Affected: no. Not counted in ClinVar's aggregate classification.

Literature cited by the submitters: PubMed 25731960 (cited by 4 submitters); PubMed 10094560 (cited by 4 submitters); PubMed 32160374 (cited by 4 submitters); PubMed 28749478 (cited by 3 submitters); PubMed 22781519 (cited by 4 submitters); PubMed 29236161 (cited by Genomenon, Inc and Ambry Genetics); PubMed 32973344 (cited by Genomenon, Inc and Ambry Genetics); PubMed 33101980 (cited by Genomenon, Inc and Ambry Genetics); PubMed 11855933 (cited by Genomenon, Inc and Natera, Inc.); PubMed 10332035 (cited by Natera, Inc.).